The following is an entry in ClinVar:

NM_001844.5(COL2A1):c.1195G>C (p.Gly399Arg)

Gene: COL2A1 (collagen type II alpha 1 chain; minus strand). Cytogenetic location: 12q13.11.
Variant type: single nucleotide variant.
Coding change: c.1195G>C on transcript NM_001844.5 (MANE Select); coding-DNA position 1195, G replaced by C.
Protein change: p.Gly399Arg; replaces glycine 399 with arginine.
Molecular consequence: missense variant.
Genome position (GRCh38, 1-based): chr12:47,987,637, C>G on the plus strand (G>C on the coding strand, the complement: COL2A1 is on the minus strand). VCF-style: chr12-47987637-C-G. GRCh37 (hg19) VCF-style: chr12-48381420-C-G.
Other names: c.988G>C, p.Gly330Arg (NM_033150.3); short protein forms G330R, G399R.
Identifiers: ClinVar variation 3662637 (VCV003662637.2).
Genomic context (GRCh38, chr12:47,987,637, plus strand): 5'-AGACCCCCCCAGGCCAAAGAGAAGCTGCACTTACGGAGGCACCAGCAGGCCCAGGGGACC[C>G]AGGAGTACCAGGTTCACCGCGAGGACCTTGAGCACCTTCAGGACCACGGGCACCAGTGGG-3'
Protein context (NP_001835.3, residues 389-409): QGPRGEPGTP[Gly399Arg]SPGPAGASGN

ClinVar aggregate classification (germline): Pathogenic (1 of 4 stars; one submission).

Submission:

Labcorp Genetics (formerly Invitae), Labcorp
Classification: Pathogenic. Last evaluated: 2024-08-16. Review status: criteria provided, single submitter. Criteria: Invitae Variant Classification Sherloc (09022015). Collection method: clinical testing. Allele origin: germline.
Comment: This sequence change replaces glycine, which is neutral and non-polar, with arginine, which is basic and polar, at codon 399 of the COL2A1 protein (p.Gly399Arg). This variant is not present in population databases (gnomAD no frequency). This missense change has been observed in individual(s) with autosomal dominant COL2A1-related conditions (PMID: 35052477). In at least one individual the variant was observed to be de novo. Invitae Evidence Modeling of protein sequence and biophysical properties (such as structural, functional, and spatial information, amino acid conservation, physicochemical variation, residue mobility, and thermodynamic stability) indicates that this missense variant is expected to disrupt COL2A1 protein function with a positive predictive value of 95%. This variant disrupts the triple helix domain of COL2A1. Glycine residues within the Gly-Xaa-Yaa repeats of the triple helix domain are required for the structure and stability of fibrillar collagens (PMID: 7695699, 8218237, 19344236). In COL2A1, variants affecting these glycine residues are significantly enriched in individuals with disease (PMID: 9016532, 17078022) compared to the general population (ExAC). For these reasons, this variant has been classified as Pathogenic.

Literature cited by the submitters: PubMed 35052477; PubMed 7695699; PubMed 8218237; PubMed 19344236; PubMed 9016532; PubMed 17078022.